The following is an entry in ClinVar:

ClinVar aggregate classification (germline): Uncertain significance (1 of 4 stars; one submission).

Submission:

Labcorp Genetics (formerly Invitae), Labcorp
Classification: Uncertain significance. Last evaluated: 2023-07-24. Review status: criteria provided, single submitter. Criteria: Invitae Variant Classification Sherloc (09022015). Collection method: clinical testing. Allele origin: germline.
Comment: This variant is not present in population databases (gnomAD no frequency). This variant has not been reported in the literature in individuals affected with RBFOX2-related conditions. Algorithms developed to predict the effect of sequence changes on RNA splicing suggest that this variant may disrupt the consensus splice site. In summary, the available evidence is currently insufficient to determine the role of this variant in disease. Therefore, it has been classified as a Variant of Uncertain Significance. This sequence change falls in intron 8 of the RBFOX2 gene. It does not directly change the encoded amino acid sequence of the RBFOX2 protein.

NM_001349999.2(RBFOX2):c.872-5A>G

Gene: RBFOX2 (RNA binding fox-1 homolog 2; minus strand). Cytogenetic location: 22q12.3.
Variant type: single nucleotide variant.
Coding change: c.872-5A>G on transcript NM_001349999.2 (MANE Select); 5 bases into the intron before coding-DNA position 872, A replaced by G.
Molecular consequence: intron variant.
Genome position (GRCh38, 1-based): chr22:35,761,299, T>C on the plus strand (A>G on the coding strand, the complement: RBFOX2 is on the minus strand). VCF-style: chr22-35761299-T-C. GRCh37 (hg19) VCF-style: chr22-36157346-T-C.
Other names: c.659-5A>G (NM_001031695.4, NM_001349998.2, NM_001082576.3 and 2 more transcripts); c.662-5A>G (NM_014309.4, NM_001349997.2); c.866-5A>G (NM_001394108.1); c.776-5A>G (NM_001394111.1, NM_001394110.1, NM_001394109.1); c.869-5A>G (NM_001394115.1, NM_001394113.1, NM_001082579.3 and 1 more transcripts); c.872-5A>G (NM_001394114.1, NM_001082578.4); c.632-5A>G (NM_001349995.2); c.725-5A>G (NM_001349994.2, NM_001349990.2, NM_001349982.2 and 4 more transcripts).
Identifiers: ClinVar variation 2746173 (VCV002746173.3), dbSNP rs2519245635, ClinGen allele CA2697552740.